The following is an entry in ClinVar:

NM_001367549.1(ATP13A3):c.77G>T (p.Arg26Leu)

Gene: ATP13A3 (ATPase 13A3; minus strand). Cytogenetic location: 3q29.
Variant type: single nucleotide variant.
Coding change: c.77G>T on transcript NM_001367549.1 (MANE Select); coding-DNA position 77, G replaced by T.
Protein change: p.Arg26Leu; replaces arginine 26 with leucine.
Molecular consequence: missense variant. On other transcripts: non-coding transcript variant (2).
Genome position (GRCh38, 1-based): chr3:194,460,806, C>A on the plus strand (G>T on the coding strand, the complement: ATP13A3 is on the minus strand). VCF-style: chr3-194460806-C-A. GRCh37 (hg19) VCF-style: chr3-194181535-C-A.
Other names: c.77G>T, p.Arg26Leu (NM_001374836.1, NM_024524.4); short protein forms R26L.
Identifiers: ClinVar variation 1522367 (VCV001522367.6), dbSNP rs375946103, ClinGen allele CA355814760.

ClinVar aggregate classification (germline): Uncertain significance (1 of 4 stars; one submission).

gnomAD v4.1: 1 of 1,613,916 alleles (0.000062%); highest among the groups gnomAD compares: Non-Finnish European, 0.000085%; no homozygotes.

Submission:

Labcorp Genetics (formerly Invitae), Labcorp
Classification: Uncertain significance. Last evaluated: 2021-07-28. Review status: criteria provided, single submitter. Criteria: Invitae Variant Classification Sherloc (09022015). Collection method: clinical testing. Allele origin: germline.
Comment: Algorithms developed to predict the effect of missense changes on protein structure and function (SIFT, PolyPhen-2, Align-GVGD) all suggest that this variant is likely to be tolerated. This variant has not been reported in the literature in individuals affected with ATP13A3-related conditions. This variant is not present in population databases (ExAC no frequency). This sequence change replaces arginine with leucine at codon 26 of the ATP13A3 protein (p.Arg26Leu). The arginine residue is moderately conserved and there is a moderate physicochemical difference between arginine and leucine. In summary, the available evidence is currently insufficient to determine the role of this variant in disease. Therefore, it has been classified as a Variant of Uncertain Significance.